The following is an entry in ClinVar:

NM_001010867.4(IBA57):c.1069T>C (p.Ter357Gln)

Gene: IBA57 (iron-sulfur cluster assembly factor IBA57; plus strand). Cytogenetic location: 1q42.13.
Variant type: single nucleotide variant.
Coding change: c.1069T>C on transcript NM_001010867.4 (MANE Select); coding-DNA position 1069, T replaced by C.
Protein change: p.Ter357Gln.
Molecular consequence: stop lost.
Genome position (GRCh38, 1-based): chr1:228,175,511, T>C. VCF-style: chr1-228175511-T-C. GRCh37 (hg19) VCF-style: chr1-228363212-T-C.
Other names: c.490T>C, p.Ter164Gln (NM_001310327.2).
Identifiers: ClinVar variation 5006215 (VCV005006215.2).

ClinVar aggregate classification (germline): Uncertain significance (1 of 4 stars; one submission).

Conditions:
Hereditary spastic paraplegia 74. Also called: Spastic paraplegia 74, autosomal recessive. Identifiers: Orphanet 468661, MedGen C5568837, MONDO:0014644, OMIM 616451.
Multiple mitochondrial dysfunctions syndrome 3 (MMDS3). Identifiers: Orphanet 363424, MedGen C3809165, MONDO:0014132, OMIM 615330.

gnomAD v4.1: 1 of 1,559,028 alleles (0.000064%); no homozygotes.

Submission:

Juno Genomics, Hangzhou Juno Genomics, Inc
Classification: Uncertain significance for Hereditary spastic paraplegia 74; Multiple mitochondrial dysfunctions syndrome 3. Review status: criteria provided, single submitter. Criteria: ACMG Guidelines, 2015. Collection method: clinical testing. Allele origin: germline.
Comment: Absent from controls (or at extremely low frequency if recessive) in Genome Aggregation Database.;Protein length changes due to in-frame deletions/insertions in a non-repeat region or stop-loss variants.